The following is an entry in ClinVar:

ClinVar aggregate classification (germline): Pathogenic (1 of 4 stars; one submission).

Conditions:
Neuromuscular disease caused by qualitative or quantitative defects of dysferlin. Also called: Qualitative or quantitative defects of dysferlin; Dysferlinopathy. Identifiers: Orphanet 207073, MedGen C2931687, MONDO:0016145.

Submission:

Labcorp Genetics (formerly Invitae), Labcorp
Classification: Pathogenic for Neuromuscular disease caused by qualitative or quantitative defects of dysferlin. Last evaluated: 2024-07-17. Review status: criteria provided, single submitter. Criteria: Invitae Variant Classification Sherloc (09022015). Collection method: clinical testing. Allele origin: germline.
Comment: This sequence change affects a donor splice site in intron 29 of the DYSF gene. It is expected to disrupt RNA splicing. Variants that disrupt the donor or acceptor splice site typically lead to a loss of protein function (PMID: 16199547), and loss-of-function variants in DYSF are known to be pathogenic (PMID: 17698709, 20301480). This variant is not present in population databases (gnomAD no frequency). Disruption of this splice site has been observed in individuals with DYSF-related conditions (PMID: 33715265; Invitae). Algorithms developed to predict the effect of sequence changes on RNA splicing suggest that this variant may disrupt the consensus splice site. For these reasons, this variant has been classified as Pathogenic.

Literature cited by the submitters: PubMed 16199547; PubMed 17698709; PubMed 20301480; PubMed 33715265.

NM_001130987.2(DYSF):c.3228+1G>T

Gene: DYSF (dysferlin; plus strand). Cytogenetic location: 2p13.2.
Variant type: single nucleotide variant.
Coding change: c.3228+1G>T on transcript NM_001130987.2 (MANE Select); the canonical splice donor site of the intron after coding-DNA position 3228, G replaced by T.
Molecular consequence: splice donor variant.
Genome position (GRCh38, 1-based): chr2:71,570,742, G>T. VCF-style: chr2-71570742-G-T. GRCh37 (hg19) VCF-style: chr2-71797872-G-T.
Other names: c.3267+1G>T (NM_001130979.2); c.3225+1G>T (NM_001130981.2, NM_001130980.2); c.3174+1G>T (NM_001130978.2, NM_003494.4); c.3132+1G>T (NM_001130977.2, NM_001130976.2); c.3270+1G>T (NM_001130982.2); c.3228+1G>T (NM_001130985.2); c.3177+1G>T (NM_001130983.2, NM_001130455.2); c.3135+1G>T (NM_001130984.2, NM_001130986.2).
Identifiers: ClinVar variation 3713912 (VCV003713912.2).